The following is an entry in ClinVar:

ClinVar aggregate classification (germline): Uncertain significance (1 of 4 stars; one submission).

Conditions:
Hereditary cancer-predisposing syndrome. Also called: Hereditary neoplastic syndrome; Neoplastic Syndromes, Hereditary; Tumor predisposition; Hereditary Cancer Syndrome. Identifiers: Orphanet 140162, MedGen C0027672, MeSH D009386, MONDO:0015356.

gnomAD v4.1: 3 of 1,614,084 alleles (0.00019%); highest among the groups gnomAD compares: East Asian, 0.0022%; no homozygotes.

Submission:

Ambry Genetics
Classification: Uncertain significance for Hereditary cancer-predisposing syndrome. Last evaluated: 2025-03-01. Review status: criteria provided, single submitter. Criteria: Ambry Variant Classification Scheme 2023. Collection method: clinical testing. Allele origin: germline.
Comment: The p.D98V variant (also known as c.293A>T), located in coding exon 3 of the EPCAM gene, results from an A to T substitution at nucleotide position 293. The aspartic acid at codon 98 is replaced by valine, an amino acid with highly dissimilar properties. This amino acid position is conserved. In addition, this alteration is predicted to be tolerated by in silico analysis. Based on the available evidence, the clinical significance of this variant remains unclear.

NM_002354.3(EPCAM):c.293A>T (p.Asp98Val)

Gene: EPCAM (epithelial cell adhesion molecule; plus strand). Cytogenetic location: 2p21.
Variant type: single nucleotide variant.
Coding change: c.293A>T on transcript NM_002354.3 (MANE Select); coding-DNA position 293, A replaced by T.
Protein change: p.Asp98Val; replaces aspartic acid 98 with valine.
Molecular consequence: missense variant.
Genome position (GRCh38, 1-based): chr2:47,373,916, A>T. VCF-style: chr2-47373916-A-T. GRCh37 (hg19) VCF-style: chr2-47601055-A-T.
Other names: short protein forms D98V.
Identifiers: ClinVar variation 3845283 (VCV003845283.1).